The following is an entry in ClinVar:

NM_207122.2(EXT2):c.940-2A>T

Gene: EXT2 (exostosin glycosyltransferase 2; plus strand). Cytogenetic location: 11p11.2.
Variant type: single nucleotide variant.
Coding change: c.940-2A>T on transcript NM_207122.2 (MANE Select); the canonical splice acceptor site of the intron before coding-DNA position 940, A replaced by T.
Molecular consequence: splice acceptor variant.
Genome position (GRCh38, 1-based): chr11:44,126,814, A>T. VCF-style: chr11-44126814-A-T. GRCh37 (hg19) VCF-style: chr11-44148364-A-T.
Other names: c.940-2A>T (NM_001389630.1, NM_001178083.3, NM_001389628.1); c.1039-2A>T (NM_000401.3).
Identifiers: ClinVar variation 3599606 (VCV003599606.4).

ClinVar aggregate classification (germline): Pathogenic/Likely pathogenic. Review status: criteria provided, multiple submitters, no conflicts (2 of 4 stars). 3 submissions from 3 submitters: Pathogenic (1); Likely pathogenic (2). Last evaluated 2025-08-15.

Conditions:
Exostoses, multiple, type 2 (EXT2). Also called: Hereditary Multiple Osteochondromatosis, Type II; EXOSTOSES, MULTIPLE, TYPE II. Identifiers: Orphanet 321, MedGen C1851413, MONDO:0007586, OMIM 133701.
Seizures-scoliosis-macrocephaly syndrome. Also called: Seizures, scoliosis, and macrocephaly syndrome; SEIZURES, SCOLIOSIS, AND MACROCEPHALY/MICROCEPHALY SYNDROME. Identifiers: Orphanet 466926, MedGen C4225248, MONDO:0014731, OMIM 616682.

Submissions (3):

GeneDx
Classification: Pathogenic. Last evaluated: 2025-08-15. Review status: criteria provided, single submitter. Criteria: GeneDx Variant Classification Process June 2021. Collection method: clinical testing. Allele origin: germline. Affected: yes.
Comment: Canonical splice site variant predicted to result in a null allele in a gene for which loss of function is a known mechanism of disease; Not observed at significant frequency in large population cohorts (gnomAD); Has not been previously published as pathogenic or benign to our knowledge; This variant is associated with the following publications: (PMID: 30334991)

Fulgent Genetics
Classification: Likely pathogenic for Exostoses, multiple, type 2; Seizures-scoliosis-macrocephaly syndrome. Last evaluated: 2024-02-21. Review status: criteria provided, single submitter. Criteria: ACMG Guidelines, 2015. Collection method: clinical testing. Allele origin: germline.

Juno Genomics, Hangzhou Juno Genomics, Inc
Classification: Likely pathogenic for Exostoses, multiple, type 2. Review status: criteria provided, single submitter. Criteria: ACMG Guidelines, 2015. Collection method: clinical testing. Allele origin: germline.
Comment: Null variant in a gene where loss of function (LOF) is a known mechanism of disease.;Absent from controls (or at extremely low frequency if recessive) in Genome Aggregation Database.